The following is an entry in ClinVar:

ClinVar aggregate classification (germline): Uncertain significance (1 of 4 stars; one submission).

Conditions:
Episodic ataxia type 2 (EA2). Also called: ATAXIA, EPISODIC, WITH NYSTAGMUS; ATAXIA, FAMILIAL PAROXYSMAL; CEREBELLAR ATAXIA, PAROXYSMAL, ACETAZOLAMIDE-RESPONSIVE; CEREBELLOPATHY, HEREDITARY PAROXYSMAL; EPISODIC ATAXIA, NYSTAGMUS-ASSOCIATED; ACETAZOLAMIDE-RESPONSIVE HEREDITARY PAROXYSMAL CEREBELLAR ATAXIA. Identifiers: Orphanet 97, MedGen C1720416, MONDO:0007163, OMIM 108500.
Developmental and epileptic encephalopathy, 42 (DEE42A). Also called: Epileptic encephalopathy, early infantile, 42; DEVELOPMENTAL AND EPILEPTIC ENCEPHALOPATHY 42A; EPILEPTIC ENCEPHALOPATHY, EARLY INFANTILE, 42A. Identifiers: MedGen C4310716, MONDO:0014917, OMIM 617106.

Allele frequency attached by ClinVar (database versions not stated): TOPMed below 0.00001; gnomAD exomes 0.00001; ExAC 0.00003.
gnomAD v4.1: 7 of 1,613,848 alleles (0.00043%); highest among the groups gnomAD compares: Non-Finnish European, 0.00034%; no homozygotes.

Submission:

Labcorp Genetics (formerly Invitae), Labcorp
Classification: Uncertain significance for Developmental and epileptic encephalopathy, 42; Episodic ataxia type 2. Last evaluated: 2025-05-08. Review status: criteria provided, single submitter. Criteria: Invitae Variant Classification Sherloc (09022015). Collection method: clinical testing. Allele origin: germline.
Comment: This sequence change replaces asparagine, which is neutral and polar, with serine, which is neutral and polar, at codon 1784 of the CACNA1A protein (p.Asn1784Ser). This variant is present in population databases (rs766934604, gnomAD 0.004%). This variant has not been reported in the literature in individuals affected with CACNA1A-related conditions. ClinVar contains an entry for this variant (Variation ID: 1956200). Invitae Evidence Modeling of protein sequence and biophysical properties (such as structural, functional, and spatial information, amino acid conservation, physicochemical variation, residue mobility, and thermodynamic stability) indicates that this missense variant is not expected to disrupt CACNA1A protein function with a negative predictive value of 95%. In summary, the available evidence is currently insufficient to determine the role of this variant in disease. Therefore, it has been classified as a Variant of Uncertain Significance.

NM_001127222.2(CACNA1A):c.5348A>G (p.Asn1783Ser)

Gene: CACNA1A (calcium voltage-gated channel subunit alpha1 A; minus strand). Cytogenetic location: 19p13.13.
Variant type: single nucleotide variant.
Coding change: c.5348A>G on transcript NM_001127222.2 (MANE Select); coding-DNA position 5348, A replaced by G.
Protein change: p.Asn1783Ser; replaces asparagine 1783 with serine.
Molecular consequence: missense variant.
Genome position (GRCh38, 1-based): chr19:13,231,762, T>C on the plus strand (A>G on the coding strand, the complement: CACNA1A is on the minus strand). VCF-style: chr19-13231762-T-C. GRCh37 (hg19) VCF-style: chr19-13342576-T-C.
Other names: c.5366A>G, p.Asn1789Ser (NM_000068.4, NM_023035.3); c.5351A>G, p.Asn1784Ser (NM_001127221.2); c.5357A>G, p.Asn1786Ser (NM_001174080.2); short protein forms N1784S, N1783S, N1786S, N1789S.
Identifiers: ClinVar variation 1956200 (VCV001956200.5), dbSNP rs766934604, ClinGen allele CA9239757.